The following is an entry in ClinVar:

NM_005562.3(LAMC2):c.252C>A (p.Cys84Ter)

Gene: LAMC2 (laminin subunit gamma 2; plus strand). Cytogenetic location: 1q25.3.
Variant type: single nucleotide variant.
Coding change: c.252C>A on transcript NM_005562.3 (MANE Select); coding-DNA position 252, C replaced by A.
Protein change: p.Cys84Ter; replaces cysteine 84 with a stop codon.
Molecular consequence: nonsense.
Genome position (GRCh38, 1-based): chr1:183,208,053, C>A. VCF-style: chr1-183208053-C-A. GRCh37 (hg19) VCF-style: chr1-183177188-C-A.
Other names: c.252C>A, p.Cys84Ter (NM_018891.3); short protein forms C84*.
Identifiers: ClinVar variation 1726223 (VCV001726223.2), dbSNP rs2525977235, ClinGen allele CA343670367.
Genomic context (GRCh38, chr1:183,208,053, plus strand): 5'-CTGCGAGAAGTGCAAGAATGGCTTTTACCGGCACAGAGAAAGGGACCGCTGTTTGCCCTG[C>A]AATTGTAACTCCAAAGGTAGCTGAAAAGGACGGAAAGAGGGAGAGGGAGATGGAGCAGTG-3'

ClinVar aggregate classification (germline): Likely pathogenic (1 of 4 stars; one submission).

Conditions:
Junctional epidermolysis bullosa gravis of Herlitz. Also called: Herlitz-type junctional epidermolysis bullosa; EPIDERMOLYSIS BULLOSA, JUNCTIONAL 1B, SEVERE; EPIDERMOLYSIS BULLOSA JUNCTIONALIS, HERLITZ TYPE; EPIDERMOLYSIS BULLOSA, JUNCTIONAL, HERLITZ-PEARSON TYPE; JEB-HERLITZ TYPE; Epidermolysis Bullosa Letalis. Identifiers: Orphanet 79404, MedGen C0079683, MONDO:0009182, OMIM 226700.

Submission:

Myriad Genetics, Inc.
Classification: Likely pathogenic for Junctional epidermolysis bullosa gravis of Herlitz. Last evaluated: 2022-05-26. Review status: criteria provided, single submitter. Criteria: Myriad Women's Health Autosomal Recessive and X-Linked Classification Criteria (2021). Collection method: clinical testing. Allele origin: unknown.
Comment: NM_005562.2(LAMC2):c.252C>A(C84*) is expected to be pathogenic in the context of junctional epidermolysis bullosa, LAMC2-related. This variant is predicted to lead to an abnormal or absent protein product due to the creation of a premature termination codon in LAMC2, a gene where loss-of-function variants are known to be pathogenic. Please note: this variant was assessed in the context of healthy population screening.